The following is an entry in ClinVar:

NM_016356.5(DCDC2):c.43G>A (p.Val15Ile)

Genes: DCDC2 (doublecortin domain containing 2; minus strand), KAAG1 (kidney associated DCDC2 antisense RNA 1; plus strand). Cytogenetic location: 6p22.3.
Variant type: single nucleotide variant.
Coding change: c.43G>A on transcript NM_016356.5 (MANE Select); coding-DNA position 43, G replaced by A.
Protein change: p.Val15Ile; replaces valine 15 with isoleucine.
Molecular consequence: missense variant. On other transcripts: non-coding transcript variant (1).
Genome position (GRCh38, 1-based): chr6:24,357,708, C>T on the plus strand (G>A on the coding strand, the complement: DCDC2 is on the minus strand). VCF-style: chr6-24357708-C-T. GRCh37 (hg19) VCF-style: chr6-24357936-C-T.
Other names: c.43G>A, p.Val15Ile (NM_001195610.2); short protein forms V15I.
Identifiers: ClinVar variation 3770042 (VCV003770042.1).

ClinVar aggregate classification (germline): Uncertain significance (1 of 4 stars; one submission).

gnomAD v4.1: 7 of 1,612,824 alleles (0.00043%); highest among the groups gnomAD compares: Admixed American, 0.0017%; no homozygotes.

Submission:

GeneDx
Classification: Uncertain significance. Last evaluated: 2024-09-16. Review status: criteria provided, single submitter. Criteria: GeneDx Variant Classification Process June 2021. Collection method: clinical testing. Allele origin: germline. Affected: yes.
Comment: Not observed at significant frequency in large population cohorts (gnomAD); In silico analysis indicates that this missense variant does not alter protein structure/function; Has not been previously published as pathogenic or benign to our knowledge